The following is an entry in ClinVar:

NM_000051.4(ATM):c.5347_5348dup (p.Asn1784fs)

Gene: ATM (ATM serine/threonine kinase; plus strand). Cytogenetic location: 11q22.3.
Variant type: Duplication.
Coding change: c.5347_5348dup on transcript NM_000051.4 (MANE Select); coding-DNA positions 5347 to 5348, 2 bases duplicated (GA; older notation c.5347_5348dupGA).
Protein change: p.Asn1784fs; shifts the reading frame from asparagine 1784.
Molecular consequence: frameshift variant.
Genome position (GRCh38, 1-based): chr11:108,302,880-108,302,881, GA duplicated; duplicating any 2 consecutive bases within chr11:108,302,879-108,302,881 gives the same sequence; the c. name uses the placement nearest the transcript's 3' end. VCF-style (leftmost placement, unchanged base first): chr11-108302878-A-AAG. GRCh37 (hg19) VCF-style: chr11-108173605-A-AAG.
Other names: c.5347_5348dup, p.Asn1784fs (NM_001351834.2); short protein forms N1784fs.
Identifiers: ClinVar variation 2031375 (VCV002031375.4), dbSNP rs2546979062, ClinGen allele CA2580083113.

ClinVar aggregate classification (germline): Pathogenic (1 of 4 stars; one submission).

Conditions:
Ataxia-telangiectasia syndrome (AT). Also called: Ataxia-telangiectasia, complementation group D; ATAXIA-TELANGIECTASIA, COMPLEMENTATION GROUP A; ATAXIA-TELANGIECTASIA, FRESNO VARIANT; Ataxia-telangiectasia; Ataxia telangiectasia (A-T); Cerebello-oculocutaneous telangiectasia. Identifiers: Orphanet 100, MedGen C0004135, MONDO:0008840, OMIM 208900.

Submission:

Labcorp Genetics (formerly Invitae), Labcorp
Classification: Pathogenic for Ataxia-telangiectasia syndrome. Last evaluated: 2022-09-29. Review status: criteria provided, single submitter. Criteria: Invitae Variant Classification Sherloc (09022015). Collection method: clinical testing. Allele origin: germline.
Comment: This sequence change creates a premature translational stop signal (p.Asn1784Lysfs*10) in the ATM gene. It is expected to result in an absent or disrupted protein product. Loss-of-function variants in ATM are known to be pathogenic (PMID: 23807571, 25614872). For these reasons, this variant has been classified as Pathogenic. This variant has not been reported in the literature in individuals affected with ATM-related conditions. This variant is not present in population databases (gnomAD no frequency).

Literature cited by the submitters: PubMed 23807571; PubMed 25614872.